The following is an entry in ClinVar:

ClinVar aggregate classification (germline): Uncertain significance. Review status: criteria provided, multiple submitters, no conflicts (2 of 4 stars). 3 submissions from 3 submitters: Uncertain significance (3). Last evaluated 2026-05-18.

Conditions:
MTRR-related disorder. Also called: MTRR-related condition.
Methylcobalamin deficiency type cblE (HMAE). Also called: VITAMIN B12-RESPONSIVE HOMOCYSTINURIA, cblE TYPE; HOMOCYSTINURIA-MEGALOBLASTIC ANEMIA, cblE COMPLEMENTATION TYPE; HOMOCYSTINURIA-MEGALOBLASTIC ANEMIA, cblE TYPE. Identifiers: Orphanet 2169, Orphanet 622, MedGen C1856057, MONDO:0009354, OMIM 236270.
Inborn genetic diseases. Identifiers: MedGen C0950123, MeSH D030342.

Allele frequency attached by ClinVar (database versions not stated): TOPMed 0.00015; gnomAD exomes 0.00031; ExAC 0.00005; gnomAD 0.00015.
gnomAD v4.1: 458 of 1,614,004 alleles (0.028%); highest among the groups gnomAD compares: Non-Finnish European, 0.038%; no homozygotes.

Submissions (5):

PreventionGenetics, part of Exact Sciences
Classification: Uncertain significance for MTRR-related condition. Last evaluated: 2026-05-18. Review status: criteria provided, single submitter. Criteria: ACMG Guidelines, 2015. Collection method: clinical testing. Allele origin: germline.
Comment: The MTRR c.1056A>C variant is predicted to result in the amino acid substitution p.Lys352Asn. To our knowledge, this variant has not been reported in the literature in patients with MTRR-related disorders. This variant is reported in 0.012% of alleles in individuals of European (non-Finnish) descent in gnomAD. At this time, the clinical significance of this variant is uncertain due to the absence of conclusive functional and genetic evidence.

Labcorp Genetics (formerly Invitae), Labcorp
Classification: Uncertain significance for Methylcobalamin deficiency type cblE. Last evaluated: 2022-02-20. Review status: criteria provided, single submitter. Criteria: Invitae Variant Classification Sherloc (09022015). Collection method: clinical testing. Allele origin: germline.
Comment: This sequence change replaces lysine, which is basic and polar, with asparagine, which is neutral and polar, at codon 352 of the MTRR protein (p.Lys352Asn). This variant is present in population databases (rs757997490, gnomAD 0.01%). This variant has not been reported in the literature in individuals affected with MTRR-related conditions. Algorithms developed to predict the effect of missense changes on protein structure and function are either unavailable or do not agree on the potential impact of this missense change (SIFT: "Tolerated"; PolyPhen-2: "Probably Damaging"; Align-GVGD: "Class C0"). Algorithms developed to predict the effect of sequence changes on RNA splicing suggest that this variant may create or strengthen a splice site. In summary, the available evidence is currently insufficient to determine the role of this variant in disease. Therefore, it has been classified as a Variant of Uncertain Significance.

Ambry Genetics
Classification: Uncertain significance for Inborn genetic diseases. Last evaluated: 2021-05-17. Review status: criteria provided, single submitter. Criteria: Ambry Variant Classification Scheme 2023. Collection method: clinical testing. Allele origin: germline.

Dr. Peter K. Rogan Lab, Western University
No classification provided (evidence only). Condition: Melanoma. Review status: no classification provided. Collection method: in vitro. Allele origin: not applicable. Functional consequence: retained intron. Not counted in ClinVar's aggregate classification.

Dr. Peter K. Rogan Lab, Western University
No classification provided (evidence only). Condition: Familial cancer of breast. Review status: no classification provided. Collection method: in vitro. Allele origin: not applicable. Functional consequence: retained intron. Not counted in ClinVar's aggregate classification.

NM_002454.3(MTRR):c.1056A>C (p.Lys352Asn)

Gene: MTRR (5-methyltetrahydrofolate-homocysteine methyltransferase reductase; plus strand). Cytogenetic location: 5p15.31.
Variant type: single nucleotide variant.
Coding change: c.1056A>C on transcript NM_002454.3 (MANE Select); coding-DNA position 1056, A replaced by C.
Protein change: p.Lys352Asn; replaces lysine 352 with asparagine.
Molecular consequence: missense variant. On other transcripts: non-coding transcript variant (14).
Genome position (GRCh38, 1-based): chr5:7,885,853, A>C. VCF-style: chr5-7885853-A-C. GRCh37 (hg19) VCF-style: chr5-7885966-A-C.
Other names: c.1056A>C, p.Lys352Asn (NM_001364440.2, NM_001364441.2, NM_001364442.2 and 1 more transcripts); short protein forms K352N.
Identifiers: ClinVar variation 2045518 (VCV002045518.4), dbSNP rs757997490, ClinGen allele CA3195793.
Genomic context (GRCh38, chr5:7,885,853, plus strand): 5'-GCTTGAAGATAAAAGAGAGCACTGCGTCCTTTTGAAAATAAAGGCAGACACAAAGAAGAA[A>C]GGTAACAGCCCTGATGCTGTGACGTTGGGGTGTTGTGGGCCAGTGGACTGGAGCTGATGG-3'
Protein context (NP_002445.2, residues 342-362): LLKIKADTKK[Lys352Asn]GATLPQHIPA